The following is an entry in ClinVar:

NM_014855.3(AP5Z1):c.559G>A (p.Ala187Thr)

Gene: AP5Z1 (adaptor related protein complex 5 subunit zeta 1; plus strand). Cytogenetic location: 7p22.1.
Variant type: single nucleotide variant.
Coding change: c.559G>A on transcript NM_014855.3 (MANE Select); coding-DNA position 559, G replaced by A.
Protein change: p.Ala187Thr; replaces alanine 187 with threonine.
Molecular consequence: missense variant. On other transcripts: non-coding transcript variant (1).
Genome position (GRCh38, 1-based): chr7:4,783,736, G>A. VCF-style: chr7-4783736-G-A. GRCh37 (hg19) VCF-style: chr7-4823367-G-A.
Other names: c.91G>A, p.Ala31Thr (NM_001364858.1); short protein forms A187T, A31T.
Identifiers: ClinVar variation 2194408 (VCV002194408.4), dbSNP rs1000029991, ClinGen allele CA153020373.

ClinVar aggregate classification (germline): Uncertain significance (1 of 4 stars; one submission).

Conditions:
Hereditary spastic paraplegia 48. Also called: SPASTIC PARAPLEGIA 48, AUTOSOMAL RECESSIVE; Spastic paraplegia 48. Identifiers: Orphanet 306511, MedGen C3150901, MONDO:0013342, OMIM 613647.

gnomAD v4.1: 14 of 1,550,476 alleles (0.0009%); highest among the groups gnomAD compares: South Asian, 0.0024%; no homozygotes.

Submission:

Labcorp Genetics (formerly Invitae), Labcorp
Classification: Uncertain significance for Hereditary spastic paraplegia 48. Last evaluated: 2024-11-04. Review status: criteria provided, single submitter. Criteria: Invitae Variant Classification Sherloc (09022015). Collection method: clinical testing. Allele origin: germline.
Comment: This sequence change replaces alanine, which is neutral and non-polar, with threonine, which is neutral and polar, at codon 187 of the AP5Z1 protein (p.Ala187Thr). The frequency data for this variant in the population databases is considered unreliable, as metrics indicate poor data quality at this position in the gnomAD database. This variant has not been reported in the literature in individuals affected with AP5Z1-related conditions. ClinVar contains an entry for this variant (Variation ID: 2194408). Invitae Evidence Modeling of protein sequence and biophysical properties (such as structural, functional, and spatial information, amino acid conservation, physicochemical variation, residue mobility, and thermodynamic stability) indicates that this missense variant is not expected to disrupt AP5Z1 protein function with a negative predictive value of 80%. In summary, the available evidence is currently insufficient to determine the role of this variant in disease. Therefore, it has been classified as a Variant of Uncertain Significance.